The following is an entry in ClinVar:

ClinVar aggregate classification (germline): Likely pathogenic (1 of 4 stars; one submission).

Allele frequency attached by ClinVar (database versions not stated): gnomAD exomes below 0.00001.
gnomAD v4.1: 1 of 1,482,928 alleles (0.000067%); highest among the groups gnomAD compares: Non-Finnish European, 0.000091%; no homozygotes.

Submission:

Labcorp Genetics (formerly Invitae), Labcorp
Classification: Likely pathogenic. Last evaluated: 2022-10-16. Review status: criteria provided, single submitter. Criteria: Invitae Variant Classification Sherloc (09022015). Collection method: clinical testing. Allele origin: germline.
Comment: This sequence change affects an acceptor splice site in intron 17 of the CCDC88A gene. It is expected to disrupt RNA splicing. Variants that disrupt the donor or acceptor splice site typically lead to a loss of protein function (PMID: 16199547), and loss-of-function variants in CCDC88A are known to be pathogenic (PMID: 26917597, 30392057). In summary, the currently available evidence indicates that the variant is pathogenic, but additional data are needed to prove that conclusively. Therefore, this variant has been classified as Likely Pathogenic. Algorithms developed to predict the effect of sequence changes on RNA splicing suggest that this variant may disrupt the consensus splice site. This variant has not been reported in the literature in individuals affected with CCDC88A-related conditions. This variant is not present in population databases (gnomAD no frequency).

Literature cited by the submitters: PubMed 16199547; PubMed 26917597; PubMed 30392057.

NM_001365480.1(CCDC88A):c.2998-1G>A

Gene: CCDC88A (coiled-coil and HOOK domain protein 88A; minus strand). Cytogenetic location: 2p16.1.
Variant type: single nucleotide variant.
Coding change: c.2998-1G>A on transcript NM_001365480.1 (MANE Select); the canonical splice acceptor site of the intron before coding-DNA position 2998, G replaced by A.
Molecular consequence: splice acceptor variant.
Genome position (GRCh38, 1-based): chr2:55,322,693, C>T on the plus strand (G>A on the coding strand, the complement: CCDC88A is on the minus strand). VCF-style: chr2-55322693-C-T. GRCh37 (hg19) VCF-style: chr2-55549829-C-T.
Other names: c.2995-1G>A (NM_001254943.2, NM_001135597.2); c.2998-1G>A (NM_018084.5).
Identifiers: ClinVar variation 2035769 (VCV002035769.4), dbSNP rs2544796645, ClinGen allele CA346895408.